The following is an entry in ClinVar:

NM_000245.4(MET):c.2339A>C (p.His780Pro)

Gene: MET (MET proto-oncogene, receptor tyrosine kinase; plus strand). Cytogenetic location: 7q31.2.
Variant type: single nucleotide variant.
Coding change: c.2339A>C on transcript NM_000245.4 (MANE Select); coding-DNA position 2339, A replaced by C.
Protein change: p.His780Pro; replaces histidine 780 with proline.
Molecular consequence: missense variant.
Genome position (GRCh38, 1-based): chr7:116,759,465, A>C. VCF-style: chr7-116759465-A-C. GRCh37 (hg19) VCF-style: chr7-116399519-A-C.
Other names: c.2393A>C, p.His798Pro (NM_001127500.3); c.2339A>C, p.His780Pro (NM_001324401.3); c.1049A>C, p.His350Pro (NM_001324402.2); short protein forms H350P, H780P, H798P.
Identifiers: ClinVar variation 2700989 (VCV002700989.5), dbSNP rs375523121, ClinGen allele CA368982438.

ClinVar aggregate classification (germline): Conflicting classifications of pathogenicity. Review status: criteria provided, conflicting classifications (1 of 4 stars). 2 submissions from 2 submitters: Uncertain significance (1); Likely benign (1). Last evaluated 2026-07-10.

Conditions:
Hereditary cancer-predisposing syndrome. Also called: Hereditary neoplastic syndrome; Hereditary Cancer Syndrome; Neoplastic Syndromes, Hereditary; Tumor predisposition. Identifiers: Orphanet 140162, MedGen C0027672, MeSH D009386, MONDO:0015356.
Renal cell carcinoma. Identifiers: Orphanet 217071, MedGen C0007134, MeSH D002292, MONDO:0005086, HP:0005584.

Submissions (2):

Ambry Genetics
Classification: Likely benign for Hereditary cancer-predisposing syndrome. Last evaluated: 2026-07-10. Review status: criteria provided, single submitter. Criteria: Ambry Variant Classification Scheme 2023. Collection method: clinical testing. Allele origin: germline.

Labcorp Genetics (formerly Invitae), Labcorp
Classification: Uncertain significance for Renal cell carcinoma. Last evaluated: 2024-03-20. Review status: criteria provided, single submitter. Criteria: Invitae Variant Classification Sherloc (09022015). Collection method: clinical testing. Allele origin: germline.
Comment: This sequence change replaces histidine, which is basic and polar, with proline, which is neutral and non-polar, at codon 798 of the MET protein (p.His798Pro). This variant is not present in population databases (gnomAD no frequency). This variant has not been reported in the literature in individuals affected with MET-related conditions. Advanced modeling of protein sequence and biophysical properties (such as structural, functional, and spatial information, amino acid conservation, physicochemical variation, residue mobility, and thermodynamic stability) performed at Invitae indicates that this missense variant is not expected to disrupt MET protein function with a negative predictive value of 80%. In summary, the available evidence is currently insufficient to determine the role of this variant in disease. Therefore, it has been classified as a Variant of Uncertain Significance.